The following is an entry in ClinVar:

ClinVar aggregate classification (germline): Benign/Likely benign. Review status: criteria provided, multiple submitters, no conflicts (2 of 4 stars). 5 submissions from 5 submitters: Benign (3); Likely benign (1). 1 of the submissions does not count toward it. Last evaluated 2026-02-03.

Conditions:
TMEM107-related disorder. Also called: TMEM107-related condition.

Allele frequency attached by ClinVar (database versions not stated): 1000 Genomes Project 0.63019; 1000 Genomes Project 30x 0.63570; ESP Exome Variant Server 0.64806; TOPMed 0.65381; gnomAD exomes 0.67398.
gnomAD v4.1: 512,094 of 762,934 alleles (67%); highest among the groups gnomAD compares: Admixed American, 72%; 173,740 homozygotes.

Submissions (5):

Labcorp Genetics (formerly Invitae), Labcorp
Classification: Benign. Last evaluated: 2026-02-03. Review status: criteria provided, single submitter. Criteria: Invitae Variant Classification Sherloc (09022015). Collection method: clinical testing. Allele origin: germline.

Blueprint Genetics
Classification: Likely benign. Last evaluated: 2024-11-28. Review status: criteria provided, single submitter. Criteria: ACMG Guidelines, 2015. Collection method: clinical testing. Allele origin: germline.

GeneDx
Classification: Benign. Last evaluated: 2020-08-19. Review status: criteria provided, single submitter. Criteria: GeneDx Variant Classification Process June 2021. Collection method: clinical testing. Allele origin: germline. Affected: yes.

Breakthrough Genomics
Classification: Benign. Review status: criteria provided, single submitter. Criteria: ACMG Guidelines, 2015. Collection method: not provided. Allele origin: germline. Inheritance: Autosomal recessive inheritance. Affected: yes.

PreventionGenetics, part of Exact Sciences
Classification: Benign for TMEM107-related condition. Last evaluated: 2024-04-22. Review status: no assertion criteria provided. Collection method: clinical testing. Allele origin: germline. Not counted in ClinVar's aggregate classification.
Comment: This variant is classified as benign based on ACMG/AMP sequence variant interpretation guidelines (Richards et al. 2015 PMID: 25741868, with internal and published modifications).

NR_033294.2(SNORD118):n.129G>A

Genes: TMEM107 (transmembrane protein 107; minus strand), SNORD118 (small nucleolar RNA, C/D box 118; minus strand). Cytogenetic location: 17p13.1.
Variant type: single nucleotide variant.
Molecular consequence: non-coding transcript variant (on NR_033294.2). On other transcripts: 3 prime UTR variant (5).
Genome position: GRCh38 VCF-style: chr17-8173460-C-T. GRCh37 (hg19) VCF-style: chr17-8076778-C-T.
Other names: c.*743G>A (NM_032354.3, NM_001351278.2, NM_001351279.2 and 3 more transcripts).
Identifiers: ClinVar variation 1168310 (VCV001168310.17), dbSNP rs9894790, ClinGen allele CA8370570.